The following is an entry in ClinVar:

NM_153676.4(USH1C):c.238_239insT (p.Arg80fs)

Gene: USH1C (USH1 protein network component harmonin; minus strand). Cytogenetic location: 11p15.1.
Variant type: Insertion.
Coding change: c.238_239insT on transcript NM_153676.4 (MANE Select); coding-DNA positions 238 to 239, T inserted.
Protein change: p.Arg80fs; shifts the reading frame from arginine 80.
Molecular consequence: frameshift variant. On other transcripts: non-coding transcript variant (1).
Genome position: GRCh38 VCF-style: chr11-17531408-C-CA. GRCh37 (hg19) VCF-style: chr11-17552955-C-CA.
Other names: c.238_239insT, p.Arg80fs (NM_001297764.2, NM_005709.4); short protein forms R80fs.
Identifiers: ClinVar variation 1357932 (VCV001357932.6), dbSNP rs2133919636, ClinGen allele CA2573146173.

ClinVar aggregate classification (germline): Pathogenic (1 of 4 stars; one submission).

Submission:

Labcorp Genetics (formerly Invitae), Labcorp
Classification: Pathogenic. Last evaluated: 2021-02-02. Review status: criteria provided, single submitter. Criteria: Invitae Variant Classification Sherloc (09022015). Collection method: clinical testing. Allele origin: germline.
Comment: This sequence change creates a premature translational stop signal (p.Arg80Leufs*69) in the USH1C gene. It is expected to result in an absent or disrupted protein product. Loss-of-function variants in USH1C are known to be pathogenic (PMID: 10973247, 17407589, 20301442, 21203349). This variant is not present in population databases (ExAC no frequency). This variant has not been reported in the literature in individuals with USH1C-related conditions. For these reasons, this variant has been classified as Pathogenic.

Literature cited by the submitters: PubMed 10973247; PubMed 17407589; PubMed 20301442; PubMed 21203349.